The following is an entry in ClinVar:

NM_003476.5(CSRP3):c.55C>G (p.His19Asp)

Gene: CSRP3 (cysteine and glycine rich protein 3; minus strand). Cytogenetic location: 11p15.1.
Variant type: single nucleotide variant.
Coding change: c.55C>G on transcript NM_003476.5 (MANE Select); coding-DNA position 55, C replaced by G.
Protein change: p.His19Asp; replaces histidine 19 with aspartic acid.
Molecular consequence: missense variant.
Genome position (GRCh38, 1-based): chr11:19,192,394, G>C on the plus strand (C>G on the coding strand, the complement: CSRP3 is on the minus strand). VCF-style: chr11-19192394-G-C. GRCh37 (hg19) VCF-style: chr11-19213941-G-C.
Other names: c.55C>G, p.His19Asp (NM_001127656.1, NM_001369404.1); short protein forms H19D.
Identifiers: ClinVar variation 2934852 (VCV002934852.3), dbSNP rs375525973, ClinGen allele CA5916678.

ClinVar aggregate classification (germline): Uncertain significance (1 of 4 stars; one submission).

Conditions:
Hypertrophic cardiomyopathy 12. Identifiers: MedGen C2677491, MONDO:0012804, OMIM 612124.
Dilated cardiomyopathy 1M (CMD1M). Identifiers: Orphanet 154, MedGen C1843808, MONDO:0011840, OMIM 607482.

Allele frequency attached by ClinVar (database versions not stated): ExAC 0.00001; gnomAD 0.00001; TOPMed 0.00001; ESP Exome Variant Server 0.00008.

Submission:

Labcorp Genetics (formerly Invitae), Labcorp
Classification: Uncertain significance for Hypertrophic cardiomyopathy 12; Dilated cardiomyopathy 1M. Last evaluated: 2024-09-30. Review status: criteria provided, single submitter. Criteria: Invitae Variant Classification Sherloc (09022015). Collection method: clinical testing. Allele origin: germline.
Comment: This sequence change replaces histidine, which is basic and polar, with aspartic acid, which is acidic and polar, at codon 19 of the CSRP3 protein (p.His19Asp). This variant is present in population databases (rs375525973, gnomAD 0.007%). This variant has not been reported in the literature in individuals affected with CSRP3-related conditions. An algorithm developed to predict the effect of missense changes on protein structure and function (PolyPhen-2) suggests that this variant is likely to be disruptive. In summary, the available evidence is currently insufficient to determine the role of this variant in disease. Therefore, it has been classified as a Variant of Uncertain Significance.